The following is an entry in ClinVar:

NM_022455.5(NSD1):c.3422T>G (p.Met1141Arg)

Gene: NSD1 (nuclear receptor binding SET domain protein 1; plus strand). Cytogenetic location: 5q35.3.
Variant type: single nucleotide variant.
Coding change: c.3422T>G on transcript NM_022455.5 (MANE Select); coding-DNA position 3422, T replaced by G.
Protein change: p.Met1141Arg; replaces methionine 1141 with arginine.
Molecular consequence: missense variant.
Genome position (GRCh38, 1-based): chr5:177,211,821, T>G. VCF-style: chr5-177211821-T-G. GRCh37 (hg19) VCF-style: chr5-176638822-T-G.
Other names: c.2549T>G, p.Met850Arg (NM_001365684.2, NM_001409306.1, NM_001409307.1 and 3 more transcripts); c.3422T>G, p.Met1141Arg (NM_001409301.1, NM_001409302.1, NM_001409303.1); c.3002T>G, p.Met1001Arg (NM_001409304.1); c.2669T>G, p.Met890Arg (NM_001409305.1); short protein forms M1001R, M1141R, M850R, M872R, M890R.
Identifiers: ClinVar variation 1710620 (VCV001710620.2), dbSNP rs769820940, ClinGen allele CA3577433.
Genomic context (GRCh38, chr5:177,211,821, plus strand): 5'-AAATTTCTGAAAAAGGACTCTCTTTTGAAAACGGAAAAGGCCCAGAGCTGGACTCTGTAA[T>G]GAACAGTGAGAATGATGAACTCAATGGTGTAAATCAAGTGGTGCCTAAAAAGCGGTGGCA-3'
Protein context (NP_071900.2, residues 1131-1151): NGKGPELDSV[Met1141Arg]NSENDELNGV

ClinVar aggregate classification (germline): Uncertain significance (1 of 4 stars; one submission).

Allele frequency attached by ClinVar (database versions not stated): ExAC 0.00001.

Submission:

GeneDx
Classification: Uncertain significance. Last evaluated: 2022-04-16. Review status: criteria provided, single submitter. Criteria: GeneDx Variant Classification Process June 2021. Collection method: clinical testing. Allele origin: germline. Affected: yes.
Comment: In silico analysis supports that this missense variant does not alter protein structure/function; Has not been previously published as pathogenic or benign to our knowledge